The following is an entry in ClinVar:

NM_024753.5(TTC21B):c.3843A>G (p.Arg1281=)

Gene: TTC21B (tetratricopeptide repeat domain 21B; minus strand). Cytogenetic location: 2q24.3.
Variant type: single nucleotide variant.
Coding change: c.3843A>G on transcript NM_024753.5 (MANE Select); coding-DNA position 3843, A replaced by G.
Protein change: p.Arg1281=; no amino-acid change (arginine 1281 retained).
Molecular consequence: synonymous variant.
Genome position (GRCh38, 1-based): chr2:165,876,195, T>C on the plus strand (A>G on the coding strand, the complement: TTC21B is on the minus strand). VCF-style: chr2-165876195-T-C. GRCh37 (hg19) VCF-style: chr2-166732705-T-C.
Identifiers: ClinVar variation 2025146 (VCV002025146.4), dbSNP rs762689241, ClinGen allele CA1941378.

ClinVar aggregate classification (germline): Uncertain significance (1 of 4 stars; one submission).

Conditions:
Jeune thoracic dystrophy. Also called: Jeune syndrome; Infantile thoracic dystrophy; Thoracic pelvic phalangeal dystrophy; Jeune's syndrome; Chondroectodermal dysplasia-like syndrome; Short-rib thoracic dysplasia. Identifiers: Orphanet 474, MedGen C0265275, MONDO:0018770.
Nephronophthisis. Also called: Juvenile Nephronophthisis. Identifiers: Orphanet 655, MedGen C0687120, MONDO:0019005, HP:0000090.

Allele frequency attached by ClinVar (database versions not stated): ExAC 0.00001; gnomAD 0.00001.
gnomAD v4.1: 3 of 1,603,102 alleles (0.00019%); highest among the groups gnomAD compares: Non-Finnish European, 0.00026%; no homozygotes.

Submission:

Labcorp Genetics (formerly Invitae), Labcorp
Classification: Uncertain significance for Jeune thoracic dystrophy; Nephronophthisis. Last evaluated: 2024-10-23. Review status: criteria provided, single submitter. Criteria: Invitae Variant Classification Sherloc (09022015). Collection method: clinical testing. Allele origin: germline.
Comment: This sequence change affects codon 1281 of the TTC21B mRNA. It is a 'silent' change, meaning that it does not change the encoded amino acid sequence of the TTC21B protein. This variant is present in population databases (rs762689241, gnomAD 0.002%). This variant has not been reported in the literature in individuals affected with TTC21B-related conditions. ClinVar contains an entry for this variant (Variation ID: 2025146). Algorithms developed to predict the effect of sequence changes on RNA splicing suggest that this variant may disrupt the consensus splice site. In summary, the available evidence is currently insufficient to determine the role of this variant in disease. Therefore, it has been classified as a Variant of Uncertain Significance.